The following is an entry in ClinVar:

NM_006017.3(PROM1):c.2272G>T (p.Glu758Ter)

Gene: PROM1 (prominin 1; minus strand). Cytogenetic location: 4p15.32.
Variant type: single nucleotide variant.
Coding change: c.2272G>T on transcript NM_006017.3 (MANE Select); coding-DNA position 2272, G replaced by T.
Protein change: p.Glu758Ter; replaces glutamic acid 758 with a stop codon.
Molecular consequence: nonsense.
Genome position (GRCh38, 1-based): chr4:15,985,768, C>A on the plus strand (G>T on the coding strand, the complement: PROM1 is on the minus strand). VCF-style: chr4-15985768-C-A. GRCh37 (hg19) VCF-style: chr4-15987391-C-A.
Other names: c.2245G>T, p.Glu749Ter (NM_001145847.2, NM_001145848.2, NM_001145851.2 and 4 more transcripts); c.2272G>T, p.Glu758Ter (NM_001145849.2, NM_001145850.2); short protein forms E749*, E758*.
Identifiers: ClinVar variation 3664009 (VCV003664009.2).

ClinVar aggregate classification (germline): Pathogenic (1 of 4 stars; one submission).

Submission:

Labcorp Genetics (formerly Invitae), Labcorp
Classification: Pathogenic. Last evaluated: 2024-09-03. Review status: criteria provided, single submitter. Criteria: Invitae Variant Classification Sherloc (09022015). Collection method: clinical testing. Allele origin: germline.
Comment: This sequence change creates a premature translational stop signal (p.Glu758*) in the PROM1 gene. It is expected to result in an absent or disrupted protein product. Loss-of-function variants in PROM1 are known to be pathogenic (PMID: 17605048, 19718270, 24154662, 25474345). This variant is not present in population databases (gnomAD no frequency). This variant has not been reported in the literature in individuals affected with PROM1-related conditions. For these reasons, this variant has been classified as Pathogenic.

Literature cited by the submitters: PubMed 17605048; PubMed 19718270; PubMed 24154662; PubMed 25474345.